The following is an entry in ClinVar:

ClinVar aggregate classification (germline): Uncertain significance (1 of 4 stars; one submission).

Conditions:
LAMA2-related muscular dystrophy (LAMA2-RD). Also called: Laminin alpha 2-related dystrophy. Identifiers: MedGen C5679788, MONDO:0100228.

Submission:

Labcorp Genetics (formerly Invitae), Labcorp
Classification: Uncertain significance for LAMA2-related muscular dystrophy. Last evaluated: 2022-06-05. Review status: criteria provided, single submitter. Criteria: Invitae Variant Classification Sherloc (09022015). Collection method: clinical testing. Allele origin: germline.
Comment: This sequence change replaces glycine, which is neutral and non-polar, with serine, which is neutral and polar, at codon 3096 of the LAMA2 protein (p.Gly3096Ser). This variant is not present in population databases (gnomAD no frequency). This variant has not been reported in the literature in individuals affected with LAMA2-related conditions. ClinVar contains an entry for this variant (Variation ID: 1388939). Advanced modeling of protein sequence and biophysical properties (such as structural, functional, and spatial information, amino acid conservation, physicochemical variation, residue mobility, and thermodynamic stability) performed at Invitae indicates that this missense variant is not expected to disrupt LAMA2 protein function. In summary, the available evidence is currently insufficient to determine the role of this variant in disease. Therefore, it has been classified as a Variant of Uncertain Significance.

NM_000426.4(LAMA2):c.9286G>A (p.Gly3096Ser)

Gene: LAMA2 (laminin subunit alpha 2; plus strand). Cytogenetic location: 6q22.33.
Variant type: single nucleotide variant.
Coding change: c.9286G>A on transcript NM_000426.4 (MANE Select); coding-DNA position 9286, G replaced by A.
Protein change: p.Gly3096Ser; replaces glycine 3096 with serine.
Molecular consequence: missense variant.
Genome position (GRCh38, 1-based): chr6:129,516,264, G>A. VCF-style: chr6-129516264-G-A. GRCh37 (hg19) VCF-style: chr6-129837409-G-A.
Other names: c.9274G>A, p.Gly3092Ser (NM_001079823.2); short protein forms G3092S, G3096S.
Identifiers: ClinVar variation 1388939 (VCV001388939.6), dbSNP rs2114947946, ClinGen allele CA365637332.